The following is an entry in ClinVar:

NM_003722.5(TP63):c.530T>C (p.Phe177Ser)

Gene: TP63 (tumor protein p63; plus strand). Cytogenetic location: 3q28.
Variant type: single nucleotide variant.
Coding change: c.530T>C on transcript NM_003722.5 (MANE Select); coding-DNA position 530, T replaced by C.
Protein change: p.Phe177Ser; replaces phenylalanine 177 with serine.
Molecular consequence: missense variant. On other transcripts: intron variant (2).
Genome position (GRCh38, 1-based): chr3:189,808,477, T>C. VCF-style: chr3-189808477-T-C. GRCh37 (hg19) VCF-style: chr3-189526266-T-C.
Other names: c.530T>C, p.Phe177Ser (NM_001114978.2, NM_001114979.2, NM_001329144.2 and 1 more transcripts); c.248T>C, p.Phe83Ser (NM_001114980.2, NM_001114981.2, NM_001114982.2 and 2 more transcripts); c.524T>C, p.Phe175Ser (NM_001329964.2); c.42+18635T>C (NM_001329146.2, NM_001329150.2); short protein forms F175S, F177S, F83S.
Identifiers: ClinVar variation 2630078 (VCV002630078.1), dbSNP rs2474354467, ClinGen allele CA355750754.

ClinVar aggregate classification (germline): Uncertain significance (1 of 4 stars; one submission).

Conditions:
TP63-related disorder. Also called: TP63-related condition; TP63-Related Disorders. Identifiers: MedGen CN380159.

Submission:

PreventionGenetics, part of Exact Sciences
Classification: Uncertain significance for TP63-related condition. Last evaluated: 2022-12-22. Review status: criteria provided, single submitter. Criteria: ACMG Guidelines, 2015. Collection method: clinical testing. Allele origin: germline.
Comment: The TP63 c.530T>C variant is predicted to result in the amino acid substitution p.Phe177Ser. To our knowledge, this variant has not been reported in the literature or in a large population database, indicating this variant is rare. At this time, the clinical significance of this variant is uncertain due to the absence of conclusive functional and genetic evidence.